The following is an entry in ClinVar:

NM_001377.3(DYNC2H1):c.8851del (p.Thr2951fs)

Gene: DYNC2H1 (dynein cytoplasmic 2 heavy chain 1; plus strand). Cytogenetic location: 11q22.3.
Variant type: Deletion.
Coding change: c.8851del on transcript NM_001377.3 (MANE Select); coding-DNA position 8851, one base deleted (A; older notation c.8851delA).
Protein change: p.Thr2951fs; shifts the reading frame from threonine 2951.
Molecular consequence: frameshift variant.
Genome position (GRCh38, 1-based): chr11:103,219,933, A deleted; the last of 6 consecutive A bases (chr11:103,219,928-103,219,933); deleting any one gives the same sequence. VCF-style (leftmost placement, unchanged base first): chr11-103219927-CA-C. GRCh37 (hg19) VCF-style: chr11-103090656-CA-C.
Other names: c.8851del, p.Thr2951fs (NM_001080463.2); short protein forms T2951fs.
Identifiers: ClinVar variation 4719846 (VCV004719846.1).
Genomic context (GRCh38, chr11:103,219,927, plus strand): 5'-ATATCAAGCATTAAAATTGATTGGAATGCCACTTAAATATTCTTATAGGATGCTAGTGAG[CA>C]AAAAACAGAACTTGAAAGACTGAAGCACAGAATAGCAGAAGAAGTTGTTAAAATTGAAGA-3'

ClinVar aggregate classification (germline): Pathogenic (1 of 4 stars; one submission).

Conditions:
Jeune thoracic dystrophy. Also called: Jeune syndrome; Infantile thoracic dystrophy; Thoracic pelvic phalangeal dystrophy; Jeune's syndrome; Chondroectodermal dysplasia-like syndrome; Short-rib thoracic dysplasia. Identifiers: Orphanet 474, MedGen C0265275, MONDO:0018770.

Submission:

Labcorp Genetics (formerly Invitae), Labcorp
Classification: Pathogenic for Jeune thoracic dystrophy. Last evaluated: 2025-05-19. Review status: criteria provided, single submitter. Criteria: Invitae Variant Classification Sherloc (09022015). Collection method: clinical testing. Allele origin: germline.
Comment: This sequence change creates a premature translational stop signal (p.Thr2951Glnfs*6) in the DYNC2H1 gene. It is expected to result in an absent or disrupted protein product. Loss-of-function variants in DYNC2H1 are known to be pathogenic (PMID: 23339108, 32753734, 33755199). This variant is not present in population databases (gnomAD no frequency). This variant has not been reported in the literature in individuals affected with DYNC2H1-related conditions. For these reasons, this variant has been classified as Pathogenic.

Literature cited by the submitters: PubMed 23339108; PubMed 32753734; PubMed 33755199.